The following is an entry in ClinVar:

NM_001378778.1(MPDZ):c.77dup (p.Asp26fs)

Gene: MPDZ (multiple PDZ domain crumbs cell polarity complex component; minus strand). Cytogenetic location: 9p23.
Variant type: Duplication.
Coding change: c.77dup on transcript NM_001378778.1 (MANE Select); coding-DNA position 77, one base duplicated (A; older notation c.77dupA).
Protein change: p.Asp26fs; shifts the reading frame from aspartic acid 26.
Molecular consequence: frameshift variant.
Genome position (GRCh38, 1-based): chr9:13,247,741, T duplicated on the plus strand (A on the coding strand, the reverse complement: MPDZ is on the minus strand). VCF-style (leftmost placement, unchanged base first): chr9-13247740-A-AT. GRCh37 (hg19) VCF-style: chr9-13247739-A-AT.
Other names: c.77dup, p.Asp26fs (NM_001261406.2, NM_001261407.2, NM_001330637.2 and 14 more transcripts); short protein forms D26fs.
Identifiers: ClinVar variation 1992798 (VCV001992798.4), dbSNP rs1347266016, ClinGen allele CA586638764.

ClinVar aggregate classification (germline): Pathogenic (1 of 4 stars; one submission).

Allele frequency attached by ClinVar (database versions not stated): gnomAD exomes below 0.00001.

Submission:

Labcorp Genetics (formerly Invitae), Labcorp
Classification: Pathogenic. Last evaluated: 2022-05-10. Review status: criteria provided, single submitter. Criteria: Invitae Variant Classification Sherloc (09022015). Collection method: clinical testing. Allele origin: germline.
Comment: This sequence change creates a premature translational stop signal (p.Asp26Glufs*5) in the MPDZ gene. It is expected to result in an absent or disrupted protein product. Loss-of-function variants in MPDZ are known to be pathogenic (PMID: 23240096, 28556411). The frequency data for this variant in the population databases is considered unreliable, as metrics indicate poor data quality at this position in the gnomAD database. This variant has not been reported in the literature in individuals affected with MPDZ-related conditions. For these reasons, this variant has been classified as Pathogenic.

Literature cited by the submitters: PubMed 23240096; PubMed 28556411.